The following is an entry in ClinVar:

ClinVar aggregate classification (germline): Uncertain significance. Review status: criteria provided, multiple submitters, no conflicts (2 of 4 stars). 3 submissions from 3 submitters: Uncertain significance (3). Last evaluated 2025-03-27.

Conditions:
Inborn genetic diseases. Identifiers: MedGen C0950123, MeSH D030342.

gnomAD v4.1: 31 of 1,613,520 alleles (0.0019%); highest among the groups gnomAD compares: Non-Finnish European, 0.0026%; no homozygotes.

Submissions (3):

Ambry Genetics
Classification: Uncertain significance for Inborn genetic diseases. Last evaluated: 2025-03-27. Review status: criteria provided, single submitter. Criteria: Ambry Variant Classification Scheme 2023. Collection method: clinical testing. Allele origin: germline.

Labcorp Genetics (formerly Invitae), Labcorp
Classification: Uncertain significance. Last evaluated: 2024-10-07. Review status: criteria provided, single submitter. Criteria: Invitae Variant Classification Sherloc (09022015). Collection method: clinical testing. Allele origin: germline.
Comment: This sequence change replaces leucine, which is neutral and non-polar, with phenylalanine, which is neutral and non-polar, at codon 303 of the COL10A1 protein (p.Leu303Phe). This variant is present in population databases (rs748899727, gnomAD 0.003%). This variant has not been reported in the literature in individuals affected with COL10A1-related conditions. Invitae Evidence Modeling of protein sequence and biophysical properties (such as structural, functional, and spatial information, amino acid conservation, physicochemical variation, residue mobility, and thermodynamic stability) has been performed for this missense variant. However, the output from this modeling did not meet the statistical confidence thresholds required to predict the impact of this variant on COL10A1 protein function. In summary, the available evidence is currently insufficient to determine the role of this variant in disease. Therefore, it has been classified as a Variant of Uncertain Significance.

Blueprint Genetics
Classification: Uncertain significance. Last evaluated: 2019-06-28. Review status: criteria provided, single submitter. Criteria: ACMG Guidelines, 2015. Collection method: clinical testing. Allele origin: germline.

NM_000493.4(COL10A1):c.909G>T (p.Leu303Phe)

Genes: COL10A1 (collagen type X alpha 1 chain; minus strand), NT5DC1 (5'-nucleotidase domain containing 1; plus strand). Cytogenetic location: 6q22.1.
Variant type: single nucleotide variant.
Coding change: c.909G>T on transcript NM_000493.4 (MANE Select); coding-DNA position 909, G replaced by T.
Protein change: p.Leu303Phe; replaces leucine 303 with phenylalanine.
Molecular consequence: missense variant. On other transcripts: intron variant (1).
Genome position (GRCh38, 1-based): chr6:116,121,207, C>A on the plus strand (G>T on the coding strand, the complement: COL10A1 is on the minus strand). VCF-style: chr6-116121207-C-A. GRCh37 (hg19) VCF-style: chr6-116442370-C-A.
Other names: c.909G>T, p.Leu303Phe (NM_001424106.1, NM_001424107.1); c.529+3262C>A (NM_152729.3); c.909G>T (NM_000493.3); short protein forms L303F.
Identifiers: ClinVar variation 3666111 (VCV003666111.4).